The following is an entry in ClinVar:

ClinVar aggregate classification (germline): Uncertain significance (1 of 4 stars; one submission).

gnomAD v4.1: 3 of 1,602,818 alleles (0.00019%); highest among the groups gnomAD compares: African/African-American, 0.004%; no homozygotes.

Submission:

Mayo Clinic Laboratories, Mayo Clinic
Classification: Uncertain significance. Last evaluated: 2024-01-05. Review status: criteria provided, single submitter. Criteria: ACMG Guidelines, 2015. Collection method: clinical testing. Allele origin: germline. Observed: 1 variant allele.
Comment: BP4, PM2_moderate

NM_012232.6(CAVIN1):c.32G>A (p.Arg11Gln)

Gene: CAVIN1 (caveolae associated protein 1; minus strand). Cytogenetic location: 17q21.2.
Variant type: single nucleotide variant.
Coding change: c.32G>A on transcript NM_012232.6 (MANE Select); coding-DNA position 32, G replaced by A.
Protein change: p.Arg11Gln; replaces arginine 11 with glutamine.
Molecular consequence: missense variant.
Genome position (GRCh38, 1-based): chr17:42,423,066, C>T on the plus strand (G>A on the coding strand, the complement: CAVIN1 is on the minus strand). VCF-style: chr17-42423066-C-T. GRCh37 (hg19) VCF-style: chr17-40575084-C-T.
Other names: p.Arg11Gln; short protein forms R11Q.
Identifiers: ClinVar variation 3380485 (VCV003380485.1).
Genomic context (GRCh38, chr17:42,423,066, plus strand): 5'-GCCTGAGCCCCAGCGGAGGAAGGCTCCGGGGCCTCGGCGTCGGGGTACCCGGGAAGCGGC[C>T]GCTCGACAATATAGAGCGTGGGGTCCTCCATGGCTACCCGGAGCCGTGCGGGACCGGCCG-3'
Protein context (NP_036364.2, residues 1-21): MEDPTLYIVE[Arg11Gln]PLPGYPDAEA